The following is an entry in ClinVar:

NM_000124.4(ERCC6):c.85A>G (p.Met29Val)

Gene: ERCC6 (ERCC excision repair 6, chromatin remodeling factor; minus strand). Cytogenetic location: 10q11.23.
Variant type: single nucleotide variant.
Coding change: c.85A>G on transcript NM_000124.4 (MANE Select); coding-DNA position 85, A replaced by G.
Protein change: p.Met29Val; replaces methionine 29 with valine.
Molecular consequence: missense variant.
Genome position (GRCh38, 1-based): chr10:49,532,880, T>C on the plus strand (A>G on the coding strand, the complement: ERCC6 is on the minus strand). VCF-style: chr10-49532880-T-C. GRCh37 (hg19) VCF-style: chr10-50740926-T-C.
Other names: c.85A>G, p.Met29Val (NM_001277058.2, NM_001277059.2, NM_001346440.2); short protein forms M29V.
Identifiers: ClinVar variation 1370743 (VCV001370743.5), dbSNP rs2132639823, ClinGen allele CA376714472.

ClinVar aggregate classification (germline): Uncertain significance (1 of 4 stars; one submission).

Submission:

Labcorp Genetics (formerly Invitae), Labcorp
Classification: Uncertain significance. Last evaluated: 2021-08-14. Review status: criteria provided, single submitter. Criteria: Invitae Variant Classification Sherloc (09022015). Collection method: clinical testing. Allele origin: germline.
Comment: This sequence change replaces methionine with valine at codon 29 of the ERCC6 protein (p.Met29Val). The methionine residue is highly conserved and there is a small physicochemical difference between methionine and valine. This variant is not present in population databases (ExAC no frequency). This variant has not been reported in the literature in individuals affected with ERCC6-related conditions. Algorithms developed to predict the effect of missense changes on protein structure and function output the following: SIFT: "Tolerated"; PolyPhen-2: "Benign"; Align-GVGD: "Class C0". The valine amino acid residue is found in multiple mammalian species, which suggests that this missense change does not adversely affect protein function. In summary, the available evidence is currently insufficient to determine the role of this variant in disease. Therefore, it has been classified as a Variant of Uncertain Significance.